The following is an entry in ClinVar:

NM_001042472.3(ABHD12):c.296A>G (p.Lys99Arg)

Gene: ABHD12 (abhydrolase domain containing 12, lysophospholipase; minus strand). Cytogenetic location: 20p11.21.
Variant type: single nucleotide variant.
Coding change: c.296A>G on transcript NM_001042472.3 (MANE Select); coding-DNA position 296, A replaced by G.
Protein change: p.Lys99Arg; replaces lysine 99 with arginine.
Molecular consequence: missense variant.
Genome position (GRCh38, 1-based): chr20:25,339,247, T>C on the plus strand (A>G on the coding strand, the complement: ABHD12 is on the minus strand). VCF-style: chr20-25339247-T-C. GRCh37 (hg19) VCF-style: chr20-25319883-T-C.
Other names: c.296A>G, p.Lys99Arg (NM_015600.5); short protein forms K99R.
Identifiers: ClinVar variation 1025439 (VCV001025439.9), dbSNP rs1378903431, ClinGen allele CA408445636.

ClinVar aggregate classification (germline): Uncertain significance. Review status: criteria provided, multiple submitters, no conflicts (2 of 4 stars). 2 submissions from 2 submitters: Uncertain significance (2). Last evaluated 2024-11-05.

Allele frequency attached by ClinVar (database versions not stated): gnomAD exomes 0.00001; TOPMed 0.00001.
gnomAD v4.1: 4 of 1,614,120 alleles (0.00025%); highest among the groups gnomAD compares: East Asian, 0.0022%; no homozygotes.

Submissions (2):

Labcorp Genetics (formerly Invitae), Labcorp
Classification: Uncertain significance. Last evaluated: 2024-11-05. Review status: criteria provided, single submitter. Criteria: Invitae Variant Classification Sherloc (09022015). Collection method: clinical testing. Allele origin: germline.
Comment: This sequence change replaces lysine, which is basic and polar, with arginine, which is basic and polar, at codon 99 of the ABHD12 protein (p.Lys99Arg). This variant is not present in population databases (gnomAD no frequency). This variant has not been reported in the literature in individuals affected with ABHD12-related conditions. ClinVar contains an entry for this variant (Variation ID: 1025439). Invitae Evidence Modeling of protein sequence and biophysical properties (such as structural, functional, and spatial information, amino acid conservation, physicochemical variation, residue mobility, and thermodynamic stability) indicates that this missense variant is not expected to disrupt ABHD12 protein function with a negative predictive value of 80%. In summary, the available evidence is currently insufficient to determine the role of this variant in disease. Therefore, it has been classified as a Variant of Uncertain Significance.

Blueprint Genetics
Classification: Uncertain significance. Last evaluated: 2024-02-29. Review status: criteria provided, single submitter. Criteria: ACMG Guidelines, 2015. Collection method: clinical testing. Allele origin: germline.